The following is an entry in ClinVar:

NM_007294.4(BRCA1):c.3964A>C (p.Lys1322Gln)

Genes: BRCA1 (BRCA1 DNA repair associated; minus strand), LOC126862571 (BRD4-independent group 4 enhancer GRCh37_chr17:41243136-41244335; plus strand). Cytogenetic location: 17q21.31.
Variant type: single nucleotide variant.
Coding change: c.3964A>C on transcript NM_007294.4 (MANE Select); coding-DNA position 3964, A replaced by C.
Protein change: p.Lys1322Gln; replaces lysine 1322 with glutamine.
Molecular consequence: missense variant. On other transcripts: intron variant (135).
Genome position (GRCh38, 1-based): chr17:43,091,567, T>G on the plus strand (A>C on the coding strand, the complement: BRCA1 is on the minus strand). VCF-style: chr17-43091567-T-G. GRCh37 (hg19) VCF-style: chr17-41243584-T-G.
Other names: c.3820A>C, p.Lys1274Gln (NM_001407746.1, NM_001407747.1, NM_001407748.1 and 20 more transcripts); c.785-535A>C (NM_001408396.1, NM_001407985.1, NM_001408397.1 and 13 more transcripts); c.3841A>C, p.Lys1281Gln (NM_001407669.1, NM_001407674.1, NM_001407675.1 and 19 more transcripts); c.3838A>C, p.Lys1280Gln (NM_001407670.1, NM_001407673.1, NM_001407671.1 and 11 more transcripts); c.548-535A>C (NM_001408494.1); c.671-535A>C (NM_001408423.1, NM_001408420.1, NM_001408419.1 and 2 more transcripts); c.3823A>C, p.Lys1275Gln (NM_001407752.1, NM_001407750.1, NM_001407751.1 and 29 more transcripts); c.788-535A>C (NM_001408472.1, NM_001408404.1, NM_001407980.1 and 17 more transcripts); and 41 more; short protein forms K1322Q, K1275Q, K1194Q, K1211Q, K1234Q, K1280Q, K1296Q, K1321Q.
Identifiers: ClinVar variation 231080 (VCV000231080.11), dbSNP rs80357343, ClinGen allele CA10580542.
Genomic context (GRCh38, chr17:43,091,567, plus strand): 5'-AAACCAATTCCTTGTCACTCAGACCAACTCCCTGGCTTTCAGACTGATGCCTCATTTGTT[T>G]GGAAGAACCAATCAAGAAAGGATCCTGGGTGTTTGTATTTGCAGTCAAGTCTTCCAATTC-3'
Protein context (NP_009225.1, residues 1312-1332): TQDPFLIGSS[Lys1322Gln]QMRHQSESQG

ClinVar aggregate classification (germline): Conflicting classifications of pathogenicity. Review status: criteria provided, conflicting classifications (1 of 4 stars). 3 submissions from 3 submitters: Uncertain significance (2); Likely benign (1). Last evaluated 2023-03-23.

Conditions:
Hereditary cancer-predisposing syndrome. Also called: Neoplastic Syndromes, Hereditary; Tumor predisposition; Hereditary Cancer Syndrome; Hereditary neoplastic syndrome. Identifiers: Orphanet 140162, MedGen C0027672, MeSH D009386, MONDO:0015356.
Hereditary breast ovarian cancer syndrome. Also called: BRCA1- and BRCA2-Associated Hereditary Breast and Ovarian Cancer; Hereditary breast and ovarian cancer syndrome; Hereditary breast and ovarian cancer; Hereditary breast and ovarian cancer syndrome (HBOC); Breast and ovarian cancer; Hereditary breast and/or ovarian cancer syndrome. Identifiers: Orphanet 145, MedGen C0677776, MeSH D061325, MONDO:0003582. Disease mechanism: loss of function.

Allele frequency attached by ClinVar (database versions not stated): TOPMed below 0.00001; gnomAD 0.00001.
gnomAD v4.1: 1 of 1,614,104 alleles (0.000062%); highest among the groups gnomAD compares: African/African-American, 0.0013%; no homozygotes.

Submissions (3):

University of Washington Department of Laboratory Medicine, University of Washington
Classification: Likely benign for Hereditary cancer-predisposing syndrome. Last evaluated: 2023-03-23. Review status: criteria provided, single submitter. Criteria: Dines et al. (Genet Med. 2020). Collection method: curation. Allele origin: germline.
Comment: Missense variant in a coldspot region where missense variants are very unlikely to be pathogenic (PMID:31911673).

BRCA1 coldspot (exon 11 using historical exon numbering). Reclassification based on statistical prior probability

Labcorp Genetics (formerly Invitae), Labcorp
Classification: Uncertain significance for Hereditary breast ovarian cancer syndrome. Last evaluated: 2022-12-01. Review status: criteria provided, single submitter. Criteria: Invitae Variant Classification Sherloc (09022015). Collection method: clinical testing. Allele origin: germline.
Comment: In summary, the available evidence is currently insufficient to determine the role of this variant in disease. Therefore, it has been classified as a Variant of Uncertain Significance. Advanced modeling of protein sequence and biophysical properties (such as structural, functional, and spatial information, amino acid conservation, physicochemical variation, residue mobility, and thermodynamic stability) performed at Invitae indicates that this missense variant is not expected to disrupt BRCA1 protein function. ClinVar contains an entry for this variant (Variation ID: 231080). This variant has not been reported in the literature in individuals affected with BRCA1-related conditions. This variant is not present in population databases (gnomAD no frequency). This sequence change replaces lysine, which is basic and polar, with glutamine, which is neutral and polar, at codon 1322 of the BRCA1 protein (p.Lys1322Gln).

Ambry Genetics
Classification: Uncertain significance for Hereditary cancer-predisposing syndrome. Last evaluated: 2015-03-25. Review status: criteria provided, single submitter. Criteria: Ambry Variant Classification Scheme 2023. Collection method: clinical testing. Allele origin: germline.
Comment: The p.K1322Q variant (also known as c.3964A>C or 4083A>C), located in coding exon 9 of the BRCA1 gene, results from an A to C substitution at nucleotide position 3964. The lysine at codon 1322 is replaced by glutamine, an amino acid with similar properties. This variant was not reported in population based cohorts in the following databases: Database of Single Nucleotide Polymorphisms (dbSNP), NHLBI Exome Sequencing Project (ESP), and 1000 Genomes Project. In the ESP, this variant was not observed in 6503 samples (13006 alleles) with coverage at this position. To date, this alteration has been detected with an allele frequency of approximately 0.001% (greater than 105000 alleles tested) in our clinical cohort. This amino acid position is well conserved in available vertebrate species. In addition, the in silico prediction for this alteration is inconclusive. Since supporting evidence is limited at this time, the clinical significance of p.K1322Q remains unclear.